The following is an entry in ClinVar:

NM_001035.3(RYR2):c.6530A>T (p.Asn2177Ile)

Gene: RYR2 (ryanodine receptor 2; plus strand). Cytogenetic location: 1q43.
Variant type: single nucleotide variant.
Coding change: c.6530A>T on transcript NM_001035.3 (MANE Select); coding-DNA position 6530, A replaced by T.
Protein change: p.Asn2177Ile; replaces asparagine 2177 with isoleucine.
Molecular consequence: missense variant.
Genome position (GRCh38, 1-based): chr1:237,631,516, A>T. VCF-style: chr1-237631516-A-T. GRCh37 (hg19) VCF-style: chr1-237794816-A-T.
Other names: c.6530A>T, p.Asn2177Ile (LRG_402t1); short protein forms N2177I.
Identifiers: ClinVar variation 518708 (VCV000518708.5), dbSNP rs1553534276, ClinGen allele CA345413301.

ClinVar aggregate classification (germline): Uncertain significance (1 of 4 stars; one submission).

Conditions:
Cardiovascular phenotype. Identifiers: MedGen CN230736.

Submission:

Ambry Genetics
Classification: Uncertain significance for Cardiovascular phenotype. Last evaluated: 2017-08-24. Review status: criteria provided, single submitter. Criteria: Ambry Variant Classification Scheme 2023. Collection method: clinical testing. Allele origin: germline.
Comment: The p.N2177I variant (also known as c.6530A>T), located in coding exon 42 of the RYR2 gene, results from an A to T substitution at nucleotide position 6530. The asparagine at codon 2177 is replaced by isoleucine, an amino acid with dissimilar properties. This amino acid position is highly conserved in available vertebrate species. In addition, this alteration is predicted to be deleterious by in silico analysis. Since supporting evidence is limited at this time, the clinical significance of this alteration remains unclear.